The following is an entry in ClinVar:

ClinVar aggregate classification (germline): Benign/Likely benign. Review status: criteria provided, multiple submitters, no conflicts (2 of 4 stars). 6 submissions from 6 submitters: Benign (3); Likely benign (3). Last evaluated 2025-11-13.

Conditions:
Monogenic diabetes. Identifiers: Orphanet 183625, MedGen C3888631, MONDO:0015967.
Maturity-onset diabetes of the young type 7 (MODY7). Identifiers: Orphanet 552, MedGen C1864839, MONDO:0012513, OMIM 610508.

Allele frequency attached by ClinVar (database versions not stated): gnomAD exomes 0.00038 and 0.00141; ExAC 0.00143; ESP Exome Variant Server 0.00177; gnomAD 0.00188 and 0.00192; TOPMed 0.00223; 1000 Genomes Project 0.00539; 1000 Genomes Project 30x 0.00547.

Submissions (6):

Labcorp Genetics (formerly Invitae), Labcorp
Classification: Benign. Last evaluated: 2025-11-13. Review status: criteria provided, single submitter. Criteria: Invitae Variant Classification Sherloc (09022015). Collection method: clinical testing. Allele origin: germline.

Fulgent Genetics
Classification: Likely benign for Maturity-onset diabetes of the young type 7. Last evaluated: 2021-08-24. Review status: criteria provided, single submitter. Criteria: ACMG Guidelines, 2015. Collection method: clinical testing. Allele origin: unknown.

GeneDx
Classification: Benign. Last evaluated: 2021-05-20. Review status: criteria provided, single submitter. Criteria: GeneDx Variant Classification Process June 2021. Collection method: clinical testing. Allele origin: germline. Affected: yes.
Comment: This variant is associated with the following publications: (PMID: 32041611, 19122346)

Illumina Laboratory Services, Illumina
Classification: Likely benign for Maturity-onset diabetes of the young type 7. Last evaluated: 2017-04-27. Review status: criteria provided, single submitter. Criteria: ICSL Variant Classification Criteria 13 December 2019. Collection method: clinical testing. Allele origin: germline.
Comment: This variant was observed as part of a predisposition screen in an ostensibly healthy population. A literature search was performed for the gene, cDNA change, and amino acid change (where applicable). Publications were found based on this search. The evidence from the literature, in combination with allele frequency data from public databases where available, was sufficient to determine this variant is unlikely to cause disease. Therefore, this variant is classified as likely benign.

Personalized Diabetes Medicine Program, University of Maryland School of Medicine
Classification: Benign for Monogenic diabetes. Last evaluated: 2015-11-20. Review status: criteria provided, single submitter. Criteria: ACMG Guidelines, 2015. Collection method: research. Allele origin: unknown. Observed: 1 variant allele, 1 heterozygote.
Comment: ACMG Criteria: PS3 (PMID:19122346), PP3, BS1 (ExAC, 1000G EAS), BS2, BP4

Breakthrough Genomics
Classification: Likely benign. Review status: criteria provided, single submitter. Criteria: ACMG Guidelines, 2015. Collection method: not provided. Allele origin: germline. Inheritance: Unknown mechanism. Affected: yes.

Literature cited by the submitters: PubMed 19122346 (cited by Illumina Laboratory Services, Illumina and Personalized Diabetes Medicine Program, University of Maryland School of Medicine).

NM_003597.5(KLF11):c.86G>A (p.Arg29Gln)

Gene: KLF11 (KLF transcription factor 11; plus strand). Cytogenetic location: 2p25.1.
Variant type: single nucleotide variant.
Coding change: c.86G>A on transcript NM_003597.5 (MANE Select); coding-DNA position 86, G replaced by A.
Protein change: p.Arg29Gln; replaces arginine 29 with glutamine.
Molecular consequence: missense variant.
Genome position (GRCh38, 1-based): chr2:10,046,193, G>A. VCF-style: chr2-10046193-G-A. GRCh37 (hg19) VCF-style: chr2-10186320-G-A.
Other names: c.35G>A, p.Arg12Gln (NM_001177716.2, NM_001177718.2); short protein forms R29Q, R12Q.
Identifiers: ClinVar variation 330622 (VCV000330622.17), dbSNP rs150096859, ClinGen allele CA1525398.